The following is an entry in ClinVar:

NM_015915.5(ATL1):c.1483C>T (p.Arg495Trp)

Gene: ATL1 (atlastin GTPase 1; plus strand). Cytogenetic location: 14q22.1.
Variant type: single nucleotide variant.
Coding change: c.1483C>T on transcript NM_015915.5 (MANE Select); coding-DNA position 1483, C replaced by T.
Protein change: p.Arg495Trp; replaces arginine 495 with tryptophan.
Molecular consequence: missense variant.
Genome position (GRCh38, 1-based): chr14:50,628,394, C>T. VCF-style: chr14-50628394-C-T. GRCh37 (hg19) VCF-style: chr14-51095112-C-T.
Other names: c.1483C>T, p.Arg495Trp (NM_001127713.1, NM_181598.4); short protein forms R495W.
Identifiers: ClinVar variation 219827 (VCV000219827.56), dbSNP rs864622269, ClinGen allele CA348023.

ClinVar aggregate classification (germline): Pathogenic/Likely pathogenic. Review status: criteria provided, multiple submitters, no conflicts (2 of 4 stars). 15 submissions from 15 submitters: Pathogenic (13); Likely pathogenic (1). 1 of the submissions does not count toward it. Last evaluated 2025-11-13.

Conditions:
ATL1-related disorder. Also called: ATL1-related condition.
Inborn genetic diseases. Identifiers: MedGen C0950123, MeSH D030342.
Hereditary spastic paraplegia. Also called: Familial spastic paraparesis. Identifiers: Orphanet 685, MedGen C0037773, MONDO:0019064. Disease mechanism: loss of function.
Hereditary spastic paraplegia 3A (SPG3A). Also called: Spastic paraplegia 3A, autosomal dominant; SPASTIC PARAPLEGIA 3, AUTOSOMAL DOMINANT; FAMILIAL SPASTIC PARAPLEGIA, AUTOSOMAL DOMINANT, 1; SPG3; STRUMPELL DISEASE; Spastic Paraplegia 3A. Identifiers: Orphanet 100984, MedGen C2931355, MONDO:0008437, OMIM 182600.

Allele frequency attached by ClinVar (database versions not stated): TOPMed 0.00002; gnomAD exomes below 0.00001; gnomAD 0.00001.
gnomAD v4.1: 2 of 1,613,976 alleles (0.00012%); highest among the groups gnomAD compares: Admixed American, 0.0017%; no homozygotes.

Submissions (15):

Labcorp Genetics (formerly Invitae), Labcorp
Classification: Pathogenic for Hereditary spastic paraplegia 3A. Last evaluated: 2025-11-13. Review status: criteria provided, single submitter. Criteria: Invitae Variant Classification Sherloc (09022015). Collection method: clinical testing. Allele origin: germline.
Comment: This sequence change replaces arginine, which is basic and polar, with tryptophan, which is neutral and slightly polar, at codon 495 of the ATL1 protein (p.Arg495Trp). This variant is present in population databases (no rsID available, gnomAD 0.004%). This missense change has been observed in individuals with autosomal dominant hereditary spastic paraplegia (PMID: 15596607, 15742100, 17502470, 20718791, 20932283). It has also been observed to segregate with disease in related individuals. ClinVar contains an entry for this variant (Variation ID: 219827). Invitae Evidence Modeling of protein sequence and biophysical properties (such as structural, functional, and spatial information, amino acid conservation, physicochemical variation, residue mobility, and thermodynamic stability) has been performed for this missense variant. However, the output from this modeling did not meet the statistical confidence thresholds required to predict the impact of this variant on ATL1 protein function. Experimental studies have shown that this missense change affects ATL1 function (PMID: 17321752, 20816793, 23079343). For these reasons, this variant has been classified as Pathogenic.

Variantyx, Inc.
Classification: Pathogenic for Hereditary spastic paraplegia 3A. Last evaluated: 2025-09-23. Review status: criteria provided, single submitter. Criteria: Variantyx Assertion Criteria 2022. Collection method: clinical testing. Allele origin: germline. Inheritance: Autosomal dominant inheritance. Affected: yes.
Comment: This is a nonsynonymous variant in the ATL1 gene (OMIM: 606439). Pathogenic variants in this gene have been associated with autosomal dominant spastic paraplegia 3A. This variant has been reported in several unrelated affected individuals (PMID: 15596607, 15742100, 17502470) (PS4). and it has been observed to segregate with disease in at least 12 individuals from 5 families (PMID: 15596607, 15742100) (PP1). Functional studies have shown that this variant alters ATL1 protein function (PMID: 17321752) (PS3), and multiple computational algorithms predict a deleterious effect for this variant (REVEL score: 0.86) (PP3). This variant has a 0.0017% maximum allele frequency in non-founder control populations (PM2). Based on the current evidence, this variant is classified as pathogenic for autosomal dominant spastic paraplegia 3A Inheritance from an unaffected parent or a parent with unknown affected status has been reported, consistent with incomplete penetrance (PMID: 15596607).

Dasa
Classification: Pathogenic. Last evaluated: 2025-08-23. Review status: criteria provided, single submitter. Criteria: DASA Assertion Criteria. Collection method: clinical testing. Allele origin: germline.
Comment: NM_015915.5(ATL1):c.1483C>T (p.Arg495Trp) is a missense variant that results in the substitution of arginine with tryptophan. Segregation evidence has been reported in affected families. Functional evidence supports a deleterious effect on the gene or gene product (PMID: 15596607; PMID: 20932283; PMID: 15742100; PMID: 17321752; PMID: 20816793). This variant has been recurrently observed in individuals with related phenotype (PMID: 15596607; PMID: 20932283; PMID: 15742100; PMID: 17321752; PMID: 20816793). Multiple computational predictions support a deleterious effect on the gene or gene product. The variant is present at low frequency in population datasets. Based on the available data, this variant is classified as pathogenic.

PreventionGenetics, part of Exact Sciences
Classification: Pathogenic for ATL1-related condition. Last evaluated: 2025-07-16. Review status: criteria provided, single submitter. Criteria: ACMG Guidelines, 2015. Collection method: clinical testing. Allele origin: germline.
Comment: The ATL1 c.1483C>T variant is predicted to result in the amino acid substitution p.Arg495Trp. This variant has been reported in multiple unrelated individuals with spastic paraplegia 3 (Durr et al 2004. PubMed ID: 15596607; Alvarez et al. 2010. PubMed ID: 20932283; Zhao et al. 2012. PubMed ID: 23079343; Park et al. 2015. PubMed ID: 26208798; Lynch et al. 2016. PubMed ID: 26374131). Functional studies have suggested that this variant impacts protein function (Alvarez et al. 2010. PubMed ID: 20932283; Botzolakis et al. 2011. PubMed ID: 20816793). This variant is reported in 0.0040% of alleles in individuals of African descent in gnomAD. This variant is interpreted as pathogenic.

GeneDx
Classification: Pathogenic. Last evaluated: 2023-06-23. Review status: criteria provided, single submitter. Criteria: GeneDx Variant Classification Process June 2021. Collection method: clinical testing. Allele origin: germline. Affected: yes.
Comment: Published functional studies suggest a dominant-negative effect on the BMPRII signaling pathway (Zhao et al., 2013); Not observed at significant frequency in large population cohorts (gnomAD); In silico analysis supports that this missense variant has a deleterious effect on protein structure/function; This variant is associated with the following publications: (PMID: 26208798, 20816793, 23079343, 22266886, 20932283, 16815977, 17321752, 15596607, 26374131, 26671083, 20718791, 24451228, 17502470, 15742100, 31236401, 30780198, 35925862, 31920481, 32322428, 23400676, 35788923, 34788679, 23334294, 36359747)

Neurometabolic Diseases Laboratory, Bellvitge Biomedical Research Institute (IDIBELL)
Classification: Pathogenic for Hereditary spastic paraplegia 3A. Last evaluated: 2023-04-27. Review status: criteria provided, single submitter. Criteria: ACMG Guidelines, 2015. Collection method: research. Allele origin: germline. Affected: yes.

Blueprint Genetics
Classification: Pathogenic for ATL1-related disorders. Last evaluated: 2022-12-07. Review status: criteria provided, single submitter. Criteria: ACMG Guidelines, 2015. Collection method: clinical testing. Allele origin: germline. Affected: yes. Observed: 1 variant allele.

Laboratory of Medical Genetics, National & Kapodistrian University of Athens
Classification: Pathogenic for Hereditary spastic paraplegia 3A. Last evaluated: 2021-09-14. Review status: criteria provided, single submitter. Criteria: ACMG Guidelines, 2015. Collection method: clinical testing. Allele origin: germline. Affected: yes.
Comment: PM1, PM2, PP2, PP3, PP5

Institute of Medical Genetics and Applied Genomics, University Hospital Tübingen
Classification: Pathogenic. Last evaluated: 2021-02-01. Review status: criteria provided, single submitter. Criteria: ACMG Guidelines, 2015. Collection method: clinical testing. Allele origin: germline. Inheritance: Autosomal dominant inheritance. Affected: yes.

Athena Diagnostics
Classification: Pathogenic. Last evaluated: 2020-07-15. Review status: criteria provided, single submitter. Criteria: Athena Diagnostics Criteria. Collection method: clinical testing. Allele origin: unknown.
Comment: The frequency of this variant in the general population is consistent with pathogenicity. Found in at least one patient with expected phenotype for this gene. Predicted to have a damaging effect on the protein. Found in multiple unrelated patients with expected phenotype for this gene. Assessment of experimental evidence regarding the effect of this variant on protein function is inconclusive. Statistically associated with disease in multiple families.

CENTOGENE GmbH and LLC - Guiding Precision Medicine
Classification: Pathogenic for Hereditary spastic paraplegia 3A. Last evaluated: 2019-05-15. Review status: criteria provided, single submitter. Criteria: ACMG Guidelines, 2015. Collection method: clinical testing. Allele origin: germline. Affected: yes.

Genome Diagnostics Laboratory, The Hospital for Sick Children
Classification: Pathogenic for Hereditary spastic paraplegia. Last evaluated: 2018-07-01. Review status: criteria provided, single submitter. Criteria: ACMG Guidelines, 2015. Collection method: clinical testing. Allele origin: germline. Affected: yes.

Ambry Genetics
Classification: Likely pathogenic for Inborn genetic diseases. Last evaluated: 2016-11-15. Review status: criteria provided, single submitter. Criteria: Ambry exome assertion method (8-5-2015). Collection method: clinical testing. Allele origin: germline. Affected: yes. Observed: 1 variant allele.

Paris Brain Institute, Inserm - ICM
Classification: Pathogenic for Hereditary spastic paraplegia 3A. Review status: criteria provided, single submitter. Criteria: ACMG Guidelines, 2015. Collection method: clinical testing. Allele origin: unknown. Affected: yes. Observed: 7 variant alleles.

Inherited Neuropathy Consortium Ii, University Of Miami
Classification: Uncertain significance for Hereditary spastic paraplegia 3A. Last evaluated: 2016-01-06. Review status: no assertion criteria provided. Collection method: literature only. Allele origin: germline. Affected: yes. Not counted in ClinVar's aggregate classification.

Literature cited by the submitters: PubMed 15596607 (cited by 4 submitters); PubMed 15742100 (cited by 4 submitters); PubMed 17502470 (cited by 3 submitters); PubMed 20718791 (cited by Labcorp Genetics (formerly Invitae), Labcorp and Athena Diagnostics); PubMed 20932283 (cited by 3 submitters); PubMed 17321752 (cited by 4 submitters); PubMed 20816793 (cited by 3 submitters); PubMed 23079343 (cited by Labcorp Genetics (formerly Invitae), Labcorp and Athena Diagnostics); PubMed 20862796 (cited by Dasa); PubMed 32322428 (cited by Athena Diagnostics); PubMed 26374131 (cited by Athena Diagnostics); PubMed 30780198 (cited by Athena Diagnostics); PubMed 31920481 (cited by Athena Diagnostics); PubMed 26208798 (cited by Athena Diagnostics); PubMed 23400676 (cited by Athena Diagnostics); PubMed 21494555 (cited by Inherited Neuropathy Consortium Ii, University Of Miami).